The following is an entry in ClinVar:

NM_006206.6(PDGFRA):c.1474A>C (p.Lys492Gln)

Gene: PDGFRA (platelet derived growth factor receptor alpha; plus strand). Cytogenetic location: 4q12.
Variant type: single nucleotide variant.
Coding change: c.1474A>C on transcript NM_006206.6 (MANE Select); coding-DNA position 1474, A replaced by C.
Protein change: p.Lys492Gln; replaces lysine 492 with glutamine.
Molecular consequence: missense variant.
Genome position (GRCh38, 1-based): chr4:54,273,646, A>C. VCF-style: chr4-54273646-A-C. GRCh37 (hg19) VCF-style: chr4-55139813-A-C.
Other names: c.1474A>C, p.Lys492Gln (NM_001347827.2, NM_001347829.2); c.1549A>C, p.Lys517Gln (NM_001347828.2); c.1513A>C, p.Lys505Gln (NM_001347830.2); c.1474A>C (NM_006206.4); short protein forms K505Q, K492Q, K517Q.
Identifiers: ClinVar variation 1041781 (VCV001041781.17), dbSNP rs1723537368, ClinGen allele CA356892637.

ClinVar aggregate classification (germline): Uncertain significance. Review status: criteria provided, multiple submitters, no conflicts (2 of 4 stars). 2 submissions from 2 submitters: Uncertain significance (2). Last evaluated 2024-05-22.

Conditions:
Hereditary cancer-predisposing syndrome. Also called: Tumor predisposition; Neoplastic Syndromes, Hereditary; Hereditary neoplastic syndrome; Hereditary Cancer Syndrome. Identifiers: Orphanet 140162, MedGen C0027672, MeSH D009386, MONDO:0015356.
Gastrointestinal stromal tumor. Also called: Gastrointestinal stromal tumor, somatic; Gastrointestinal stroma tumor. Identifiers: Orphanet 44890, MedGen C0238198, MeSH D046152, MONDO:0011719, OMIM 606764, HP:0100723.

Submissions (2):

Ambry Genetics
Classification: Uncertain significance for Hereditary cancer-predisposing syndrome. Last evaluated: 2024-05-22. Review status: criteria provided, single submitter. Criteria: Ambry Variant Classification Scheme 2023. Collection method: clinical testing. Allele origin: germline.
Comment: The p.K492Q variant (also known as c.1474A>C), located in coding exon 9 of the PDGFRA gene, results from an A to C substitution at nucleotide position 1474. The lysine at codon 492 is replaced by glutamine, an amino acid with similar properties. This amino acid position is conserved. In addition, this alteration is predicted to be tolerated by in silico analysis. Based on the available evidence, the clinical significance of this variant remains unclear.

Labcorp Genetics (formerly Invitae), Labcorp
Classification: Uncertain significance for Gastrointestinal stromal tumor. Last evaluated: 2023-10-20. Review status: criteria provided, single submitter. Criteria: Invitae Variant Classification Sherloc (09022015). Collection method: clinical testing. Allele origin: germline.
Comment: This sequence change replaces lysine, which is basic and polar, with glutamine, which is neutral and polar, at codon 492 of the PDGFRA protein (p.Lys492Gln). This variant is not present in population databases (gnomAD no frequency). This variant has not been reported in the literature in individuals affected with PDGFRA-related conditions. ClinVar contains an entry for this variant (Variation ID: 1041781). Advanced modeling of protein sequence and biophysical properties (such as structural, functional, and spatial information, amino acid conservation, physicochemical variation, residue mobility, and thermodynamic stability) performed at Invitae indicates that this missense variant is not expected to disrupt PDGFRA protein function. In summary, the available evidence is currently insufficient to determine the role of this variant in disease. Therefore, it has been classified as a Variant of Uncertain Significance.